The following is an entry in ClinVar:

NM_000392.5(ABCC2):c.2556dup (p.Gly853fs)

Gene: ABCC2 (ATP binding cassette subfamily C member 2; plus strand). Cytogenetic location: 10q24.2.
Variant type: Duplication.
Coding change: c.2556dup on transcript NM_000392.5 (MANE Select); coding-DNA position 2556, one base duplicated (A; older notation c.2556dupA).
Protein change: p.Gly853fs; shifts the reading frame from glycine 853.
Molecular consequence: frameshift variant.
Genome position (GRCh38, 1-based): chr10:99,819,205, A duplicated; the last of 6 consecutive A bases (chr10:99,819,200-99,819,205); duplicating any one gives the same sequence. VCF-style (leftmost placement, unchanged base first): chr10-99819199-C-CA. GRCh37 (hg19) VCF-style: chr10-101578956-C-CA.
Other names: short protein forms G853fs.
Identifiers: ClinVar variation 1071731 (VCV001071731.7), dbSNP rs1393497113, ClinGen allele CA2499220528.

ClinVar aggregate classification (germline): Pathogenic (1 of 4 stars; one submission).

Submission:

Labcorp Genetics (formerly Invitae), Labcorp
Classification: Pathogenic. Last evaluated: 2017-10-10. Review status: criteria provided, single submitter. Criteria: Invitae Variant Classification Sherloc (09022015). Collection method: clinical testing. Allele origin: germline.
Comment: This sequence change creates a premature translational stop signal (p.Gly853Argfs*5) in the ABCC2 gene. It is expected to result in an absent or disrupted protein product. This variant is not present in population databases (ExAC no frequency). This variant has not been reported in the literature in individuals with ABCC2-related disease. Loss-of-function variants in ABCC2 are known to be pathogenic (PMID: 16549534, 26350512). For these reasons, this variant has been classified as Pathogenic.

Literature cited by the submitters: PubMed 16549534; PubMed 26350512.